The following is an entry in ClinVar:

NM_000297.4(PKD2):c.2352A>G (p.Lys784=)

Gene: PKD2 (polycystin 2, transient receptor potential cation channel; plus strand). Cytogenetic location: 4q22.1.
Variant type: single nucleotide variant.
Coding change: c.2352A>G on transcript NM_000297.4 (MANE Select); coding-DNA position 2352, A replaced by G.
Protein change: p.Lys784=; no amino-acid change (lysine 784 retained).
Molecular consequence: synonymous variant. On other transcripts: non-coding transcript variant (1).
Genome position (GRCh38, 1-based): chr4:88,065,873, A>G. VCF-style: chr4-88065873-A-G. GRCh37 (hg19) VCF-style: chr4-88987025-A-G.
Identifiers: ClinVar variation 2137487 (VCV002137487.4), dbSNP rs1333908005, ClinGen allele CA440268487.
Genomic context (GRCh38, chr4:88,065,873, plus strand): 5'-AGATGGAGACCAAGAACTGACCGAACATGAACATCAGCAGATGAGAGACGACTTGGAGAA[A>G]GAGAGGGTGGGTCTGGTTTAGGAGAACCGGATTTGATTTGGTACCTACAACACCACAGAT-3'
Protein context (NP_000288.1, residues 774-794): EHQQMRDDLE[Lys784=]EREDLDLDHS

ClinVar aggregate classification (germline): Uncertain significance (1 of 4 stars; one submission).

Conditions:
Autosomal dominant polycystic kidney disease. Identifiers: Orphanet 730, MedGen C0085413, MONDO:0004691.

Allele frequency attached by ClinVar (database versions not stated): gnomAD exomes below 0.00001.
gnomAD v4.1: 1 of 1,589,804 alleles (0.000063%); highest among the groups gnomAD compares: Non-Finnish European, 0.000086%; no homozygotes.

Submission:

Labcorp Genetics (formerly Invitae), Labcorp
Classification: Uncertain significance for Autosomal dominant polycystic kidney disease. Last evaluated: 2022-04-25. Review status: criteria provided, single submitter. Criteria: Invitae Variant Classification Sherloc (09022015). Collection method: clinical testing. Allele origin: germline.
Comment: In summary, the available evidence is currently insufficient to determine the role of this variant in disease. Therefore, it has been classified as a Variant of Uncertain Significance. Algorithms developed to predict the effect of sequence changes on RNA splicing suggest that this variant may create or strengthen a splice site. This variant has not been reported in the literature in individuals affected with PKD2-related conditions. This variant is present in population databases (no rsID available, gnomAD 0.0009%). This sequence change affects codon 784 of the PKD2 mRNA. It is a 'silent' change, meaning that it does not change the encoded amino acid sequence of the PKD2 protein.